The following is an entry in ClinVar:

ClinVar aggregate classification (germline): Uncertain significance (1 of 4 stars; one submission).

Submission:

GeneDx
Classification: Uncertain significance. Last evaluated: 2024-10-11. Review status: criteria provided, single submitter. Criteria: GeneDx Variant Classification Process June 2021. Collection method: clinical testing. Allele origin: germline.
Comment: Not observed at significant frequency in large population cohorts (gnomAD); In silico analysis indicates that this missense variant does not alter protein structure/function; Has not been previously published as pathogenic or benign to our knowledge; Variants in candidate genes are classified as variants of uncertain significance in accordance with ACMG guidelines (PMID: 25741868)

NM_014717.3(ZNF536):c.3543G>C (p.Glu1181Asp)

Gene: ZNF536 (zinc finger protein 536; plus strand). Cytogenetic location: 19q12.
Variant type: single nucleotide variant.
Coding change: c.3543G>C on transcript NM_014717.3 (MANE Select); coding-DNA position 3543, G replaced by C.
Protein change: p.Glu1181Asp; replaces glutamic acid 1181 with aspartic acid.
Molecular consequence: missense variant.
Genome position (GRCh38, 1-based): chr19:30,549,162, G>C. VCF-style: chr19-30549162-G-C. GRCh37 (hg19) VCF-style: chr19-31040069-G-C.
Other names: c.3543G>C, p.Glu1181Asp (NM_001352260.2, NM_001376110.1, NM_001376111.1 and 1 more transcripts); short protein forms E1181D.
Identifiers: ClinVar variation 4975059 (VCV004975059.1).